The following is an entry in ClinVar:

NM_018699.4(PRDM5):c.478C>T (p.Arg160Cys)

Gene: PRDM5 (PR/SET domain 5; minus strand). Cytogenetic location: 4q27.
Variant type: single nucleotide variant.
Coding change: c.478C>T on transcript NM_018699.4 (MANE Select); coding-DNA position 478, C replaced by T.
Protein change: p.Arg160Cys; replaces arginine 160 with cysteine.
Molecular consequence: missense variant.
Genome position (GRCh38, 1-based): chr4:120,818,525, G>A on the plus strand (C>T on the coding strand, the complement: PRDM5 is on the minus strand). VCF-style: chr4-120818525-G-A. GRCh37 (hg19) VCF-style: chr4-121739680-G-A.
Other names: c.478C>T, p.Arg160Cys (NM_001300823.2, NM_001300824.2, NM_001379104.1 and 1 more transcripts); short protein forms R160C.
Identifiers: ClinVar variation 809675 (VCV000809675.43), dbSNP rs748667559, ClinGen allele CA3061377.

ClinVar aggregate classification (germline): Uncertain significance. Review status: criteria provided, multiple submitters, no conflicts (2 of 4 stars). 2 submissions from 2 submitters: Uncertain significance (2). Last evaluated 2026-09-01.

Allele frequency attached by ClinVar (database versions not stated): gnomAD exomes below 0.00001 and 0.00001; TOPMed below 0.00001; ExAC 0.00001; gnomAD 0.00001.
gnomAD v4.1: 10 of 1,611,598 alleles (0.00062%); highest among the groups gnomAD compares: African/African-American, 0.0027%; no homozygotes.

Submissions (2):

CeGaT Center for Human Genetics Tuebingen
Classification: Uncertain significance. Last evaluated: 2026-09-01. Review status: criteria provided, single submitter. Criteria: CeGaT Center For Human Genetics Tuebingen Variant Classification Criteria Version 2. Collection method: clinical testing. Allele origin: germline. Affected: yes. Observed: 2 variant alleles.
Comment: PRDM5: PM2, BP4

Women's Health and Genetics/Laboratory Corporation of America, LabCorp
Classification: Uncertain significance. Last evaluated: 2026-01-05. Review status: criteria provided, single submitter. Criteria: LabCorp Variant Classification Summary - May 2015. Collection method: clinical testing. Allele origin: germline.
Comment: Variant summary: PRDM5 c.478C>T (p.Arg160Cys) results in a non-conservative amino acid change in the encoded protein sequence. Algorithms developed to predict the effect of missense changes on protein structure and function are either unavailable or do not agree on the potential impact of this missense change. Consensus agreement among computation tools predict no significant impact on normal splicing. However, these predictions have yet to be confirmed by functional studies. The variant allele was found at a frequency of 4e-06 in 251078 control chromosomes. The available data on variant occurrences in the general population are insufficient to allow any conclusion about variant significance. To our knowledge, no occurrence of c.478C>T in individuals affected with PRDM5-related conditions and no experimental evidence demonstrating its impact on protein function have been reported. ClinVar contains an entry for this variant (Variation ID: 809675). Based on the evidence outlined above, the variant was classified as uncertain significance.